The following is an entry in ClinVar:

NM_025099.6(CTC1):c.2327A>G (p.Lys776Arg)

Gene: CTC1 (CST telomere replication complex component 1; minus strand). Cytogenetic location: 17p13.1.
Variant type: single nucleotide variant.
Coding change: c.2327A>G on transcript NM_025099.6 (MANE Select); coding-DNA position 2327, A replaced by G.
Protein change: p.Lys776Arg; replaces lysine 776 with arginine.
Molecular consequence: missense variant. On other transcripts: non-coding transcript variant (1).
Genome position (GRCh38, 1-based): chr17:8,231,961, T>C on the plus strand (A>G on the coding strand, the complement: CTC1 is on the minus strand). VCF-style: chr17-8231961-T-C. GRCh37 (hg19) VCF-style: chr17-8135279-T-C.
Other names: c.2327A>G, p.Lys776Arg (NM_001411067.1); short protein forms K776R.
Identifiers: ClinVar variation 1949935 (VCV001949935.5), dbSNP rs2507896541, ClinGen allele CA397977465.
Genomic context (GRCh38, chr17:8,231,961, plus strand): 5'-ACCTTCTGATCATTGTCGTCATTTCCCTGGGGCTCGGGCAGCCCCCATCCAGTACCCTCC[T>C]TCCTCTGGGTGCCCCCAAGCCAGCTCCCCAACACATAGAAACTGAGGGCGGGCTTGGGCA-3'
Protein context (NP_079375.3, residues 766-786): LGSWLGGTQR[Lys776Arg]EGTGWGLPEP

ClinVar aggregate classification (germline): Uncertain significance (1 of 4 stars; one submission).

Conditions:
Dyskeratosis congenita. Identifiers: Orphanet 1775, MedGen C0265965, MONDO:0015780.

Submission:

Labcorp Genetics (formerly Invitae), Labcorp
Classification: Uncertain significance for Dyskeratosis congenita. Last evaluated: 2023-08-10. Review status: criteria provided, single submitter. Criteria: Invitae Variant Classification Sherloc (09022015). Collection method: clinical testing. Allele origin: germline.
Comment: In summary, the available evidence is currently insufficient to determine the role of this variant in disease. Therefore, it has been classified as a Variant of Uncertain Significance. Algorithms developed to predict the effect of sequence changes on RNA splicing suggest that this variant may disrupt the consensus splice site. Advanced modeling of protein sequence and biophysical properties (such as structural, functional, and spatial information, amino acid conservation, physicochemical variation, residue mobility, and thermodynamic stability) performed at Invitae indicates that this missense variant is not expected to disrupt CTC1 protein function. ClinVar contains an entry for this variant (Variation ID: 1949935). This variant has not been reported in the literature in individuals affected with CTC1-related conditions. This variant is not present in population databases (gnomAD no frequency). This sequence change replaces lysine, which is basic and polar, with arginine, which is basic and polar, at codon 776 of the CTC1 protein (p.Lys776Arg).